The following is an entry in ClinVar:

NM_000550.3(TYRP1):c.1407_1408+2del

Genes: LURAP1L-AS1 (LURAP1L antisense RNA 1; minus strand), TYRP1 (tyrosinase related protein 1; plus strand). Cytogenetic location: 9p23.
Variant type: Deletion.
Coding change: c.1407_1408+2del on transcript NM_000550.3 (MANE Select); coding-DNA position 1407 through the canonical splice donor site of the intron after coding-DNA position 1408, 4 bases deleted (AAGT; older notation c.1407_1408+2delAAGT).
Molecular consequence: splice donor variant.
Genome position (GRCh38, 1-based): chr9:12,708,142-12,708,145, AAGT deleted. VCF-style (leftmost placement, unchanged base first): chr9-12708141-CAAGT-C. GRCh37 (hg19) VCF-style: chr9-12708141-CAAGT-C.
Identifiers: ClinVar variation 1510226 (VCV001510226.6), dbSNP rs2118273418, ClinGen allele CA2573143525.

ClinVar aggregate classification (germline): Uncertain significance (1 of 4 stars; one submission).

Submission:

Labcorp Genetics (formerly Invitae), Labcorp
Classification: Uncertain significance. Last evaluated: 2022-02-24. Review status: criteria provided, single submitter. Criteria: Invitae Variant Classification Sherloc (09022015). Collection method: clinical testing. Allele origin: germline.
Comment: In summary, the available evidence is currently insufficient to determine the role of this variant in disease. Therefore, it has been classified as a Variant of Uncertain Significance. This variant disrupts the C-terminus of the TYRP1 protein. Other variant(s) that disrupt this region (p.Gln512* ) have been observed in individuals with TYRP1-related conditions (PMID: 28266639). This suggests that this may be a clinically significant region of the protein. Variants that disrupt the consensus splice site are a relatively common cause of aberrant splicing (PMID: 17576681, 9536098). Algorithms developed to predict the effect of sequence changes on RNA splicing suggest that this variant may disrupt the consensus splice site. This variant has not been reported in the literature in individuals affected with TYRP1-related conditions. This variant is not present in population databases (gnomAD no frequency). This variant results in the deletion of part of exon 7 (c.1407_1408+2del) of the TYRP1 gene. While this variant is not anticipated to result in nonsense mediated decay, it likely alters RNA splicing and results in a disrupted protein product.

Literature cited by the submitters: PubMed 28266639; PubMed 17576681; PubMed 9536098.